The following is an entry in ClinVar:

ClinVar aggregate classification (germline): Pathogenic (1 of 4 stars; one submission).

Conditions:
Fanconi anemia (FA). Also called: Fanconi's anemia. Identifiers: Orphanet 84, MedGen C0015625, MeSH D005199, MONDO:0019391.

Submission:

Labcorp Genetics (formerly Invitae), Labcorp
Classification: Pathogenic for Fanconi anemia. Last evaluated: 2021-02-12. Review status: criteria provided, single submitter. Criteria: Invitae Variant Classification Sherloc (09022015). Collection method: clinical testing. Allele origin: germline.
Comment: This variant is not present in population databases (ExAC no frequency). For these reasons, this variant has been classified as Pathogenic. Algorithms developed to predict the effect of sequence changes on RNA splicing suggest that this variant may create or strengthen a splice site, but this prediction has not been confirmed by published transcriptional studies. This variant has not been reported in the literature in individuals with FANCA-related conditions. This sequence change creates a premature translational stop signal (p.Leu1156Glyfs*58) in the FANCA gene. It is expected to result in an absent or disrupted protein product. Loss-of-function variants in FANCA are known to be pathogenic (PMID: 19367192).

Literature cited by the submitters: PubMed 19367192.

NM_000135.4(FANCA):c.3466_3467del (p.Leu1156fs)

Gene: FANCA (FA complementation group A; minus strand). Cytogenetic location: 16q24.3.
Variant type: Deletion.
Coding change: c.3466_3467del on transcript NM_000135.4 (MANE Select); coding-DNA positions 3466 to 3467, 2 bases deleted (CT; older notation c.3466_3467delCT).
Protein change: p.Leu1156fs; shifts the reading frame from leucine 1156.
Molecular consequence: frameshift variant.
Genome position (GRCh38, 1-based): chr16:89,746,630-89,746,631, AG deleted on the plus strand (CT on the coding strand, the reverse complement: FANCA is on the minus strand). VCF-style (leftmost placement, unchanged base first): chr16-89746629-CAG-C. GRCh37 (hg19) VCF-style: chr16-89813037-CAG-C.
Other names: c.3466_3467del, p.Leu1156fs (NM_001286167.3); short protein forms L1156fs.
Identifiers: ClinVar variation 1435348 (VCV001435348.6), dbSNP rs2143106211, ClinGen allele CA2573152890.